The following is an entry in ClinVar:

ClinVar aggregate classification (germline): Uncertain significance (1 of 4 stars; one submission).

Submission:

Labcorp Genetics (formerly Invitae), Labcorp
Classification: Uncertain significance. Last evaluated: 2022-03-04. Review status: criteria provided, single submitter. Criteria: Invitae Variant Classification Sherloc (09022015). Collection method: clinical testing. Allele origin: germline.
Comment: A copy number gain of the genomic region encompassing the full coding sequence of the POLR3A gene has been identified. The boundaries of this event are unknown as they extend beyond the assayed region for this gene and therefore may encompass additional genes. As the precise location of this event is unknown, it may be in tandem or it may be located elsewhere in the genome. This variant has not been reported in the literature in individuals affected with POLR3A-related conditions. In summary, the available evidence is currently insufficient to determine the role of this variant in disease. Therefore, it has been classified as a Variant of Uncertain Significance.

NC_000010.10:g.(?_79163600)_(79799964_?)dup

Genes: DLG5 (discs large MAGUK scaffold protein 5; minus strand), KCNMA1 (potassium calcium-activated channel subfamily M alpha 1; minus strand), POLR3A (RNA polymerase III subunit A; minus strand), RPS24 (ribosomal protein S24; plus strand). Cytogenetic location: 10q22.3.
Variant type: Duplication.
Identifiers: ClinVar variation 2425682 (VCV002425682.3).